The following is an entry in ClinVar:

ClinVar aggregate classification (germline): Uncertain significance. Review status: criteria provided, multiple submitters, no conflicts (2 of 4 stars). 3 submissions from 3 submitters: Uncertain significance (3). Last evaluated 2026-06-15.

Conditions:
TRIOBP-related disorder. Also called: TRIOBP-related condition.

Allele frequency attached by ClinVar (database versions not stated): gnomAD exomes 0.00002; ExAC 0.00003; gnomAD 0.00003 and 0.00004; TOPMed 0.00005.
gnomAD v4.1: 34 of 1,605,524 alleles (0.0021%); highest among the groups gnomAD compares: Admixed American, 0.0051%; no homozygotes.

Submissions (3):

PreventionGenetics, part of Exact Sciences
Classification: Uncertain significance for TRIOBP-related condition. Last evaluated: 2026-06-15. Review status: criteria provided, single submitter. Criteria: ACMG Guidelines, 2015. Collection method: clinical testing. Allele origin: germline.
Comment: The TRIOBP c.3412G>T variant is predicted to result in the amino acid substitution p.Asp1138Tyr. To our knowledge, this variant has not been reported in the literature. This variant is reported in 0.0044% of alleles in individuals of European (Non-Finnish) descent in gnomAD. At this time, the clinical significance of this variant is uncertain due to the absence of conclusive functional and genetic evidence.

Labcorp Genetics (formerly Invitae), Labcorp
Classification: Uncertain significance. Last evaluated: 2023-12-20. Review status: criteria provided, single submitter. Criteria: Invitae Variant Classification Sherloc (09022015). Collection method: clinical testing. Allele origin: germline.
Comment: This sequence change replaces aspartic acid, which is acidic and polar, with tyrosine, which is neutral and polar, at codon 1138 of the TRIOBP protein (p.Asp1138Tyr). This variant is present in population databases (rs765268022, gnomAD 0.004%). This variant has not been reported in the literature in individuals affected with TRIOBP-related conditions. ClinVar contains an entry for this variant (Variation ID: 1422191). An algorithm developed to predict the effect of missense changes on protein structure and function (PolyPhen-2) suggests that this variant is likely to be disruptive. In summary, the available evidence is currently insufficient to determine the role of this variant in disease. Therefore, it has been classified as a Variant of Uncertain Significance.

Blueprint Genetics
Classification: Uncertain significance. Last evaluated: 2022-08-18. Review status: criteria provided, single submitter. Criteria: ACMG Guidelines, 2015. Collection method: clinical testing. Allele origin: germline.

NM_001039141.3(TRIOBP):c.3412G>T (p.Asp1138Tyr)

Gene: TRIOBP (TRIO and F-actin binding protein; plus strand). Cytogenetic location: 22q13.1.
Variant type: single nucleotide variant.
Coding change: c.3412G>T on transcript NM_001039141.3 (MANE Select); coding-DNA position 3412, G replaced by T.
Protein change: p.Asp1138Tyr; replaces aspartic acid 1138 with tyrosine.
Molecular consequence: missense variant.
Genome position (GRCh38, 1-based): chr22:37,725,968, G>T. VCF-style: chr22-37725968-G-T. GRCh37 (hg19) VCF-style: chr22-38121975-G-T.
Other names: c.3412G>T (NM_001039141.2); short protein forms D1138Y.
Identifiers: ClinVar variation 1422191 (VCV001422191.8), dbSNP rs765268022, ClinGen allele CA10224121.